The following is an entry in ClinVar:

NM_003995.4(NPR2):c.1816-13T>C

Gene: NPR2 (natriuretic peptide receptor 2; plus strand). Cytogenetic location: 9p13.3.
Variant type: single nucleotide variant.
Coding change: c.1816-13T>C on transcript NM_003995.4 (MANE Select); 13 bases into the intron before coding-DNA position 1816, T replaced by C.
Molecular consequence: intron variant.
Genome position (GRCh38, 1-based): chr9:35,802,719, T>C. VCF-style: chr9-35802719-T-C. GRCh37 (hg19) VCF-style: chr9-35802716-T-C.
Other names: c.1825-13T>C (NM_001378923.1).
Identifiers: ClinVar variation 3759335 (VCV003759335.2).

ClinVar aggregate classification (germline): Uncertain significance (1 of 4 stars; one submission).

Conditions:
Acromesomelic dysplasia 1, Maroteaux type (AMD1). Also called: ST. HELENA DYSPLASIA; ACROMESOMELIC DYSPLASIA 1. Identifiers: Orphanet 40, MedGen C1864356, MONDO:0011275, OMIM 602875.
Tall stature-scoliosis-macrodactyly of the great toes syndrome. Also called: Epiphyseal chondrodysplasia, miura type. Identifiers: Orphanet 329191, MedGen C4014690, MONDO:0014401, OMIM 615923.

Submission:

Labcorp Genetics (formerly Invitae), Labcorp
Classification: Uncertain significance for Tall stature-scoliosis-macrodactyly of the great toes syndrome; Acromesomelic dysplasia 1, Maroteaux type. Last evaluated: 2025-01-06. Review status: criteria provided, single submitter. Criteria: Invitae Variant Classification Sherloc (09022015). Collection method: clinical testing. Allele origin: germline.
Comment: This sequence change falls in intron 11 of the NPR2 gene. It does not directly change the encoded amino acid sequence of the NPR2 protein. This variant is not present in population databases (gnomAD no frequency). This variant has not been reported in the literature in individuals affected with NPR2-related conditions. Algorithms developed to predict the effect of sequence changes on RNA splicing suggest that this variant may disrupt the consensus splice site. In summary, the available evidence is currently insufficient to determine the role of this variant in disease. Therefore, it has been classified as a Variant of Uncertain Significance.